The following is an entry in ClinVar:

ClinVar aggregate classification (germline): Conflicting classifications of pathogenicity. Review status: criteria provided, conflicting classifications (1 of 4 stars). 3 submissions from 3 submitters: Uncertain significance (1); Likely benign (2). Last evaluated 2025-05-28.

Conditions:
Progressive familial heart block type IB (PFHB1B). Identifiers: Orphanet 871, MedGen C1970298, MONDO:0011474, OMIM 604559.

Allele frequency attached by ClinVar (database versions not stated): TOPMed below 0.00001; gnomAD 0.00001; gnomAD exomes 0.00001; ExAC 0.00003.
gnomAD v4.1: 9 of 1,613,820 alleles (0.00056%); highest among the groups gnomAD compares: Non-Finnish European, 0.000085%; no homozygotes.

Submissions (3):

Labcorp Genetics (formerly Invitae), Labcorp
Classification: Likely benign for Progressive familial heart block type IB. Last evaluated: 2025-05-28. Review status: criteria provided, single submitter. Criteria: Invitae Variant Classification Sherloc (09022015). Collection method: clinical testing. Allele origin: germline.

Blueprint Genetics
Classification: Uncertain significance. Last evaluated: 2023-08-28. Review status: criteria provided, single submitter. Criteria: ACMG Guidelines, 2015. Collection method: clinical testing. Allele origin: germline.

GeneDx
Classification: Likely benign. Last evaluated: 2017-02-27. Review status: criteria provided, single submitter. Criteria: GeneDx Variant Classification (06012015). Collection method: clinical testing. Allele origin: germline. Affected: yes.
Comment: This variant is considered likely benign or benign based on one or more of the following criteria: it is a conservative change, it occurs at a poorly conserved position in the protein, it is predicted to be benign by multiple in silico algorithms, and/or has population frequency not consistent with disease.

NM_017636.4(TRPM4):c.984A>G (p.Gln328=)

Gene: TRPM4 (transient receptor potential cation channel subfamily M member 4; plus strand). Cytogenetic location: 19q13.33.
Variant type: single nucleotide variant.
Coding change: c.984A>G on transcript NM_017636.4 (MANE Select); coding-DNA position 984, A replaced by G.
Protein change: p.Gln328=; no amino-acid change (glutamine 328 retained).
Molecular consequence: synonymous variant. On other transcripts: 5 prime UTR variant (1).
Genome position (GRCh38, 1-based): chr19:49,171,703, A>G. VCF-style: chr19-49171703-A-G. GRCh37 (hg19) VCF-style: chr19-49674960-A-G.
Other names: c.984A>G, p.Gln328= (NM_001195227.2); c.639A>G, p.Gln213= (NM_001321281.2); c.-570A>G (NM_001321282.2); c.462A>G, p.Gln154= (NM_001321283.2); c.135A>G, p.Gln45= (NM_001321285.2).
Identifiers: ClinVar variation 507563 (VCV000507563.3), dbSNP rs752367612, ClinGen allele CA9569030.